The following is an entry in ClinVar:

ClinVar aggregate classification (germline): Pathogenic/Likely pathogenic. Review status: criteria provided, multiple submitters, no conflicts (2 of 4 stars). 2 submissions from 2 submitters: Pathogenic (1); Likely pathogenic (1). Last evaluated 2025-09-08.

Conditions:
Neuromuscular disease. Also called: Neuromyopathy; Neuromuscular disorder. Identifiers: Orphanet 68381, MedGen C0027868, MeSH D009468, MONDO:0019056.
Dilated cardiomyopathy 1G (CMD1G). Identifiers: Orphanet 154, MedGen C1858763, MONDO:0011400, OMIM 604145.
Autosomal recessive limb-girdle muscular dystrophy type 2J (LGMDR10). Also called: Limb-girdle muscular dystrophy, type 2J; MUSCULAR DYSTROPHY, LIMB-GIRDLE, AUTOSOMAL RECESSIVE 10. Identifiers: Orphanet 140922, MedGen C1837342, MONDO:0012127, OMIM 608807.

Submissions (2):

Labcorp Genetics (formerly Invitae), Labcorp
Classification: Pathogenic for Dilated cardiomyopathy 1G; Autosomal recessive limb-girdle muscular dystrophy type 2J. Last evaluated: 2025-09-08. Review status: criteria provided, single submitter. Criteria: Invitae Variant Classification Sherloc (09022015). Collection method: clinical testing. Allele origin: germline.
Comment: This sequence change affects a donor splice site in intron 52 of the TTN gene. It is expected to disrupt RNA splicing and likely results in a truncated or disrupted TTN protein. This variant is not present in population databases (gnomAD no frequency). Disruption of this splice site has been observed in individuals with autosomal recessive centronuclear myopathy (PMID: 23975875, 29691892, 31053406). It has also been observed to segregate with disease in related individuals. This variant is also known as c.11764+1G>A. ClinVar contains an entry for this variant (Variation ID: 46601). Algorithms developed to predict the effect of sequence changes on RNA splicing suggest that this variant may disrupt the consensus splice site. This variant is located in the I band of TTN (PMID: 25589632). Truncating variants in this region have been reported in individuals affected with autosomal recessive centronuclear myopathy (PMID: 23975875, internal data). Truncating variants in this region have also been identified in individuals affected with autosomal dominant dilated cardiomyopathy and/or cardio-related conditions (PMID: 27869827, 32964742, internal data). For these reasons, this variant has been classified as Pathogenic.

Laboratory for Molecular Medicine, Mass General Brigham Personalized Medicine
Classification: Likely pathogenic for Neuromuscular Diseases. Last evaluated: 2013-09-27. Review status: criteria provided, single submitter. Criteria: LMM Criteria. Collection method: clinical testing. Allele origin: germline. Inheritance: Autosomal recessive inheritance. Observed: 1 variant allele.

Literature cited by the submitters: PubMed 23975875 (cited by Labcorp Genetics (formerly Invitae), Labcorp and Laboratory for Molecular Medicine, Mass General Brigham Personalized Medicine); PubMed 29691892 (cited by Labcorp Genetics (formerly Invitae), Labcorp); PubMed 31053406 (cited by Labcorp Genetics (formerly Invitae), Labcorp); PubMed 25589632 (cited by Labcorp Genetics (formerly Invitae), Labcorp); PubMed 27869827 (cited by Labcorp Genetics (formerly Invitae), Labcorp); PubMed 32964742 (cited by Labcorp Genetics (formerly Invitae), Labcorp).

NM_001267550.2(TTN):c.15496+1G>A

Gene: TTN (titin; minus strand). Cytogenetic location: 2q31.2.
Variant type: single nucleotide variant.
Coding change: c.15496+1G>A on transcript NM_001267550.2 (MANE Select); the canonical splice donor site of the intron after coding-DNA position 15496, G replaced by A.
Molecular consequence: splice donor variant. On other transcripts: intron variant (3).
Genome position (GRCh38, 1-based): chr2:178,734,327, C>T on the plus strand (G>A on the coding strand, the complement: TTN is on the minus strand). VCF-style: chr2-178734327-C-T. GRCh37 (hg19) VCF-style: chr2-179599054-C-T.
Other names: c.13282+3755G>A (NM_003319.4); c.13858+3755G>A (NM_133437.4); c.13657+3755G>A (NM_133432.3); c.11764+1G>A (NM_133378.4); c.14545+1G>A (NM_001256850.1).
Identifiers: ClinVar variation 46601 (VCV000046601.13), dbSNP rs397517481, ClinGen allele CA138728.